The following is an entry in ClinVar:

NM_001077415.3(CRELD1):c.580_581del (p.Gln194fs)

Gene: CRELD1 (CRELD disulfide isomerase 1; plus strand). Cytogenetic location: 3p25.3.
Variant type: Deletion.
Coding change: c.580_581del on transcript NM_001077415.3 (MANE Select); coding-DNA positions 580 to 581, 2 bases deleted (CA; older notation c.580_581delCA).
Protein change: p.Gln194fs; shifts the reading frame from glutamine 194.
Molecular consequence: frameshift variant. On other transcripts: non-coding transcript variant (3).
Genome position (GRCh38, 1-based): chr3:9,940,969-9,940,970, CA deleted. VCF-style (leftmost placement, unchanged base first): chr3-9940968-CCA-C. GRCh37 (hg19) VCF-style: chr3-9982652-CCA-C.
Other names: c.580_581del, p.Gln194fs (NM_001031717.4, NM_001374316.1, NM_001374317.1 and 5 more transcripts); short protein forms Q194fs.
Identifiers: ClinVar variation 4997067 (VCV004997067.1).

ClinVar aggregate classification (germline): Likely pathogenic (1 of 4 stars; one submission).

Conditions:
CRELD1-related disorder. Also called: CRELD1-related condition.

Submission:

PreventionGenetics, part of Exact Sciences
Classification: Likely pathogenic for CRELD1-related condition. Last evaluated: 2025-06-18. Review status: criteria provided, single submitter. Criteria: ACMG Guidelines, 2015. Collection method: clinical testing. Allele origin: germline.
Comment: The CRELD1 c.580_581delCA variant is predicted to result in a frameshift and premature protein termination (p.Gln194Valfs*7). To our knowledge, this variant has not been reported in the literature or in a large population database (gnomAD), indicating this variant is rare. Frameshift variants in CRELD1 are expected to be pathogenic. This variant is interpreted as likely pathogenic.